The following is an entry in ClinVar:

ClinVar aggregate classification (germline): Uncertain significance. Review status: criteria provided, multiple submitters, no conflicts (2 of 4 stars). 2 submissions from 2 submitters: Uncertain significance (2). Last evaluated 2025-05-17.

Conditions:
Cardiovascular phenotype. Identifiers: MedGen CN230736.
Myofibrillar myopathy 5. Also called: FILAMINOPATHY, AUTOSOMAL DOMINANT; Filaminopathy (type). Identifiers: Orphanet 171445, MedGen C1836050, MONDO:0012289, OMIM 609524.
Distal myopathy with posterior leg and anterior hand involvement. Also called: WILLIAMS DISTAL MYOPATHY. Identifiers: Orphanet 63273, MedGen C3279722, MONDO:0013550, OMIM 614065.
Hypertrophic cardiomyopathy 26. Also called: Cardiomyopathy, familial hypertrophic, 26. Identifiers: Orphanet 75249, MedGen C4310749, MONDO:0014883, OMIM 617047.

Allele frequency attached by ClinVar (database versions not stated): gnomAD exomes below 0.00001 and 0.00001; TOPMed below 0.00001; gnomAD 0.00001.
gnomAD v4.1: 9 of 1,594,542 alleles (0.00056%); highest among the groups gnomAD compares: Non-Finnish European, 0.00069%; no homozygotes.

Submissions (2):

Labcorp Genetics (formerly Invitae), Labcorp
Classification: Uncertain significance for Distal myopathy with posterior leg and anterior hand involvement; Myofibrillar myopathy 5; Hypertrophic cardiomyopathy 26. Last evaluated: 2025-05-17. Review status: criteria provided, single submitter. Criteria: Invitae Variant Classification Sherloc (09022015). Collection method: clinical testing. Allele origin: germline.
Comment: This sequence change replaces tyrosine, which is neutral and polar, with asparagine, which is neutral and polar, at codon 2683 of the FLNC protein (p.Tyr2683Asn). This variant is present in population databases (no rsID available, gnomAD 0.0009%). This missense change has been observed in individual(s) with clinical features of FLNC-related conditions (internal data). ClinVar contains an entry for this variant (Variation ID: 850469). Invitae Evidence Modeling of protein sequence and biophysical properties (such as structural, functional, and spatial information, amino acid conservation, physicochemical variation, residue mobility, and thermodynamic stability) indicates that this missense variant is not expected to disrupt FLNC protein function with a negative predictive value of 95%. In summary, the available evidence is currently insufficient to determine the role of this variant in disease. Therefore, it has been classified as a Variant of Uncertain Significance.

Ambry Genetics
Classification: Uncertain significance for Cardiovascular phenotype. Last evaluated: 2023-05-14. Review status: criteria provided, single submitter. Criteria: Ambry Variant Classification Scheme 2023. Collection method: clinical testing. Allele origin: germline.
Comment: The p.Y2683N variant (also known as c.8047T>A), located in coding exon 48 of the FLNC gene, results from a T to A substitution at nucleotide position 8047. The tyrosine at codon 2683 is replaced by asparagine, an amino acid with dissimilar properties. This amino acid position is conserved. In addition, the in silico prediction for this alteration is inconclusive. Since supporting evidence is limited at this time, the clinical significance of this alteration remains unclear.

NM_001458.5(FLNC):c.8047T>A (p.Tyr2683Asn)

Genes: FLNC-AS1 (FLNC antisense RNA 1; minus strand), FLNC (filamin C; plus strand). Cytogenetic location: 7q32.1.
Variant type: single nucleotide variant.
Coding change: c.8047T>A on transcript NM_001458.5 (MANE Select); coding-DNA position 8047, T replaced by A.
Protein change: p.Tyr2683Asn; replaces tyrosine 2683 with asparagine.
Molecular consequence: missense variant.
Genome position (GRCh38, 1-based): chr7:128,858,392, T>A. VCF-style: chr7-128858392-T-A. GRCh37 (hg19) VCF-style: chr7-128498446-T-A.
Other names: c.7948T>A, p.Tyr2650Asn (NM_001127487.2); short protein forms Y2650N, Y2683N.
Identifiers: ClinVar variation 850469 (VCV000850469.11), dbSNP rs1377893206, ClinGen allele CA369221387.